The following is an entry in ClinVar:

ClinVar aggregate classification (germline): Uncertain significance (1 of 4 stars; one submission).

Conditions:
VWF-related disorder. Also called: VWF-related disorders; VWF-related condition.

gnomAD v4.1: 7 of 1,614,210 alleles (0.00043%); highest among the groups gnomAD compares: Middle Eastern, 0.016%; no homozygotes.

Submission:

PreventionGenetics, part of Exact Sciences
Classification: Uncertain significance for VWF-related condition. Last evaluated: 2026-05-09. Review status: criteria provided, single submitter. Criteria: ACMG Guidelines, 2015. Collection method: clinical testing. Allele origin: germline.
Comment: The VWF c.2497G>A variant is predicted to result in the amino acid substitution p.Gly833Ser. To our knowledge, this variant has not been reported in the literature. This variant is reported in 0.0058% of alleles in individuals of Latino descent in gnomAD. At this time, the clinical significance of this variant is uncertain due to the absence of conclusive functional and genetic evidence.

NM_000552.5(VWF):c.2497G>A (p.Gly833Ser)

Gene: VWF (von Willebrand factor; minus strand). Cytogenetic location: 12p13.31.
Variant type: single nucleotide variant.
Coding change: c.2497G>A on transcript NM_000552.5 (MANE Select); coding-DNA position 2497, G replaced by A.
Protein change: p.Gly833Ser; replaces glycine 833 with serine.
Molecular consequence: missense variant.
Genome position (GRCh38, 1-based): chr12:6,036,437, C>T on the plus strand (G>A on the coding strand, the complement: VWF is on the minus strand). VCF-style: chr12-6036437-C-T. GRCh37 (hg19) VCF-style: chr12-6145603-C-T.
Other names: short protein forms G833S.
Identifiers: ClinVar variation 4988276 (VCV004988276.1).